The following is an entry in ClinVar:

NM_003242.6(TGFBR2):c.1133G>A (p.Arg378Lys)

Gene: TGFBR2 (transforming growth factor beta receptor 2; plus strand). Cytogenetic location: 3p24.1.
Variant type: single nucleotide variant.
Coding change: c.1133G>A on transcript NM_003242.6 (MANE Select); coding-DNA position 1133, G replaced by A.
Protein change: p.Arg378Lys; replaces arginine 378 with lysine.
Molecular consequence: missense variant.
Genome position (GRCh38, 1-based): chr3:30,672,316, G>A. VCF-style: chr3-30672316-G-A. GRCh37 (hg19) VCF-style: chr3-30713808-G-A.
Other names: c.1208G>A, p.Arg403Lys (NM_001024847.3); c.1316G>A, p.Arg439Lys (NM_001407126.1); c.1241G>A, p.Arg414Lys (NM_001407127.1); c.1160G>A, p.Arg387Lys (NM_001407128.1); c.1136G>A, p.Arg379Lys (NM_001407129.1); c.1133G>A, p.Arg378Lys (NM_001407130.1); c.1028G>A, p.Arg343Lys (NM_001407132.1, NM_001407133.1, NM_001407134.1 and 2 more transcripts); c.848G>A, p.Arg283Lys (NM_001407137.1); and 1 more; short protein forms R283K, R343K, R387K, R439K, R379K, R378K, R403K, R258K.
Identifiers: ClinVar variation 2104447 (VCV002104447.4), dbSNP rs2125436458, ClinGen allele CA351808606.

ClinVar aggregate classification (germline): Pathogenic (1 of 4 stars; one submission).

Conditions:
Familial thoracic aortic aneurysm and aortic dissection (TAAD). Also called: Thoracic aortic aneurysms and dissections. Identifiers: Orphanet 91387, MedGen C4707243, MONDO:0019625.

Submission:

Labcorp Genetics (formerly Invitae), Labcorp
Classification: Pathogenic for Familial thoracic aortic aneurysm and aortic dissection. Last evaluated: 2022-02-28. Review status: criteria provided, single submitter. Criteria: Invitae Variant Classification Sherloc (09022015). Collection method: clinical testing. Allele origin: germline.
Comment: This sequence change replaces arginine, which is basic and polar, with lysine, which is basic and polar, at codon 378 of the TGFBR2 protein (p.Arg378Lys). This variant is not present in population databases (gnomAD no frequency). This missense change has been observed in individual(s) with TGFBR2-related conditions (Invitae). In at least one individual the variant was observed to be de novo. Advanced modeling of protein sequence and biophysical properties (such as structural, functional, and spatial information, amino acid conservation, physicochemical variation, residue mobility, and thermodynamic stability) performed at Invitae indicates that this missense variant is expected to disrupt TGFBR2 protein function. For these reasons, this variant has been classified as Pathogenic.